The following is an entry in ClinVar:

NM_001723.7(DST):c.5874C>A (p.Tyr1958Ter)

Gene: DST (dystonin; minus strand). Cytogenetic location: 6p12.1.
Variant type: single nucleotide variant.
Coding change: c.5874C>A on transcript NM_001723.7 (MANE Plus Clinical); coding-DNA position 5874, C replaced by A.
Protein change: p.Tyr1958Ter; replaces tyrosine 1958 with a stop codon.
Molecular consequence: nonsense. On other transcripts: intron variant (10).
Genome position (GRCh38, 1-based): chr6:56,618,160, G>T on the plus strand (C>A on the coding strand, the complement: DST is on the minus strand). VCF-style: chr6-56618160-G-T. GRCh37 (hg19) VCF-style: chr6-56482958-G-T.
Other names: c.4831-3676C>A (NM_001144769.5); c.4930-3676C>A (NM_001374722.1, NM_001374736.1); c.4957-3676C>A (NM_001374734.1); c.4417-3676C>A (NM_001144770.2); c.4297-3676C>A (NM_001374730.1, NM_001386100.1, NM_183380.4 and 1 more transcripts); c.3319-3676C>A (NM_015548.5); short protein forms Y1958*.
Identifiers: ClinVar variation 2030446 (VCV002030446.4), dbSNP rs1392325549, ClinGen allele CA364566387.

ClinVar aggregate classification (germline): Pathogenic (1 of 4 stars; one submission).

Conditions:
Epidermolysis bullosa simplex 3, localized or generalized intermediate, with BP230 deficiency (EBS3). Also called: Epidermolysis bullosa simplex due to BP230 deficiency; Epidermolysis bullosa simplex, autosomal recessive 2. Identifiers: Orphanet 412181, MedGen C3809470, MONDO:0014180, OMIM 615425.
Hereditary sensory and autonomic neuropathy type 6. Also called: HSAN VI; Neuropathy, hereditary sensory and autonomic, type VI. Identifiers: Orphanet 314381, MedGen C3539003, MONDO:0013839, OMIM 614653.

Allele frequency attached by ClinVar (database versions not stated): TOPMed below 0.00001.

Submission:

Labcorp Genetics (formerly Invitae), Labcorp
Classification: Pathogenic for Epidermolysis bullosa simplex 3, localized or generalized intermediate, with BP230 deficiency; Hereditary sensory and autonomic neuropathy type 6. Last evaluated: 2023-01-15. Review status: criteria provided, single submitter. Criteria: Invitae Variant Classification Sherloc (09022015). Collection method: clinical testing. Allele origin: germline.
Comment: For these reasons, this variant has been classified as Pathogenic. This variant has not been reported in the literature in individuals affected with DST-related conditions. This variant is not present in population databases (gnomAD no frequency). This sequence change creates a premature translational stop signal (p.Tyr1958*) in the DST gene. It is expected to result in an absent or disrupted protein product. Loss-of-function variants in DST are known to be pathogenic (PMID: 22522446, 25059916, 30371979).

Literature cited by the submitters: PubMed 22522446; PubMed 25059916; PubMed 30371979.